The following is an entry in ClinVar:

NM_000059.4(BRCA2):c.7210_7212delinsT (p.Lys2404fs)

Gene: BRCA2 (BRCA2 DNA repair associated; plus strand). Cytogenetic location: 13q13.1.
Variant type: Indel.
Coding change: c.7210_7212delinsT on transcript NM_000059.4 (MANE Select); coding-DNA positions 7210 to 7212, AAA replaced by T.
Protein change: p.Lys2404fs; shifts the reading frame from lysine 2404.
Molecular consequence: frameshift variant. On other transcripts: non-coding transcript variant (1).
Genome position (GRCh38, 1-based): chr13:32,355,063-32,355,065, AAA replaced by T. VCF-style: chr13-32355063-AAA-T. GRCh37 (hg19) VCF-style: chr13-32929200-AAA-T.
Other names: c.7114_7116delinsT, p.Lys2372fs (NM_001406719.1); c.7210_7212delinsT, p.Lys2404fs (NM_001406720.1, NM_001432077.1); c.2278_2280delinsT, p.Lys760fs (NM_001406721.1); c.793_795delinsT, p.Lys265fs (NM_001406722.1); short protein forms K2372fs, K2404fs, K265fs, K760fs.
Identifiers: ClinVar variation 4853519 (VCV004853519.1).

ClinVar aggregate classification (germline): Pathogenic (1 of 4 stars; one submission).

Conditions:
Hereditary breast ovarian cancer syndrome. Also called: Hereditary breast and ovarian cancer syndrome; Hereditary breast and ovarian cancer; Hereditary breast and ovarian cancer syndrome (HBOC); Breast and ovarian cancer; Hereditary breast and/or ovarian cancer syndrome; BRCA1- and BRCA2-Associated Hereditary Breast and Ovarian Cancer. Identifiers: Orphanet 145, MedGen C0677776, MeSH D061325, MONDO:0003582. Disease mechanism: loss of function.

Submission:

Women's Health and Genetics/Laboratory Corporation of America, LabCorp
Classification: Pathogenic for Hereditary breast ovarian cancer syndrome. Last evaluated: 2026-05-04. Review status: criteria provided, single submitter. Criteria: LabCorp Variant Classification Summary - May 2015. Collection method: clinical testing. Allele origin: germline.
Comment: Variant summary: BRCA2 c.7210_7212delinsT (p.Lys2404CysfsX7) results in a premature termination codon, predicted to cause a truncation of the encoded protein or absence of the protein due to nonsense mediated decay, which are commonly known mechanisms for disease. Loss-of-function variants in this gene are known to be pathogenic. The variant was absent in 251318 control chromosomes. To our knowledge, no occurrence of c.7210_7212delinsT in individuals affected with BRCA2-related conditions and no experimental evidence demonstrating its impact on protein function have been reported. Multiple downstream frameshift and nonsense variants have been classified by our lab. No submitters have cited clinical-significance assessments for this variant to ClinVar. Based on the evidence outlined above, the variant was classified as pathogenic.